The following is an entry in ClinVar:

ClinVar aggregate classification (germline): Benign/Likely benign. Review status: criteria provided, multiple submitters, no conflicts (2 of 4 stars). 6 submissions from 6 submitters: Benign (1); Likely benign (4). 1 of the submissions does not count toward it. Last evaluated 2026-01-02.

Conditions:
Inborn genetic diseases. Identifiers: MedGen C0950123, MeSH D030342.
SAMD9L-related disorder. Also called: SAMD9L-related disorders; SAMD9L-related condition.

Allele frequency attached by ClinVar (database versions not stated): gnomAD 0.00006; gnomAD exomes 0.00014; ESP Exome Variant Server 0.00031.
gnomAD v4.1: 103 of 1,612,102 alleles (0.0064%); highest among the groups gnomAD compares: Non-Finnish European, 0.0021%; no homozygotes.

Submissions (6):

Labcorp Genetics (formerly Invitae), Labcorp
Classification: Benign. Last evaluated: 2026-01-02. Review status: criteria provided, single submitter. Criteria: Invitae Variant Classification Sherloc (09022015). Collection method: clinical testing. Allele origin: germline.

Laboratory of Genetics, Children's Clinical University Hospital Latvia
Classification: Likely benign. Last evaluated: 2025-02-16. Review status: criteria provided, single submitter. Criteria: ACMG Guidelines, 2015. Collection method: clinical testing. Allele origin: germline. Affected: yes.

Blueprint Genetics
Classification: Likely benign. Last evaluated: 2024-11-22. Review status: criteria provided, single submitter. Criteria: ACMG Guidelines, 2015. Collection method: clinical testing. Allele origin: germline.

Ambry Genetics
Classification: Likely benign for Inborn genetic diseases. Last evaluated: 2024-10-17. Review status: criteria provided, single submitter. Criteria: Ambry Variant Classification Scheme 2023. Collection method: clinical testing. Allele origin: germline.

Genetic Services Laboratory, University of Chicago
Classification: Likely benign. Last evaluated: 2020-06-16. Review status: criteria provided, single submitter. Criteria: ACMG Guidelines, 2015. Collection method: clinical testing. Allele origin: germline. Affected: no.

PreventionGenetics, part of Exact Sciences
Classification: Likely benign for SAMD9L-related condition. Last evaluated: 2022-04-01. Review status: no assertion criteria provided. Collection method: clinical testing. Allele origin: germline. Not counted in ClinVar's aggregate classification.
Comment: This variant is classified as likely benign based on ACMG/AMP sequence variant interpretation guidelines (Richards et al. 2015 PMID: 25741868, with internal and published modifications).

NM_152703.5(SAMD9L):c.2499G>A (p.Leu833=)

Gene: SAMD9L (sterile alpha motif domain containing 9 like; minus strand). Cytogenetic location: 7q21.2.
Variant type: single nucleotide variant.
Coding change: c.2499G>A on transcript NM_152703.5 (MANE Select); coding-DNA position 2499, G replaced by A.
Protein change: p.Leu833=; no amino-acid change (leucine 833 retained).
Molecular consequence: synonymous variant.
Genome position (GRCh38, 1-based): chr7:93,133,473, C>T on the plus strand (G>A on the coding strand, the complement: SAMD9L is on the minus strand). VCF-style: chr7-93133473-C-T. GRCh37 (hg19) VCF-style: chr7-92762786-C-T.
Other names: c.2499G>A, p.Leu833= (NM_001303496.3, NM_001303497.3, NM_001303498.3 and 5 more transcripts); c.2499G>A (NM_152703.2, NM_152703.3).
Identifiers: ClinVar variation 1337666 (VCV001337666.16), dbSNP rs149822295, ClinGen allele CA4343576.
Genomic context (GRCh38, chr7:93,133,473, plus strand): 5'-GTCTGCCAATTTTGCACTTTCATCTGGATTCCGGGATCTCATGCAGTTTAAGATAATTAC[C>T]AATGTTTTTTCATATCGCAAATCCTTTTCTGCTAAAACGGAATGGATGGCATTTTGTAGA-3'
Protein context (NP_689916.2, residues 823-843): AEKDLRYEKT[Leu833=]VIILNCMRSR